The following is an entry in ClinVar:

ClinVar aggregate classification (germline): Uncertain significance (1 of 4 stars; one submission).

Conditions:
Nemaline myopathy 2 (NEM2). Also called: Nemaline myopathy 2, autosomal recessive. Identifiers: MedGen C1850569, MONDO:0009725, OMIM 256030.

gnomAD v4.1: 1 of 1,611,426 alleles (0.000062%); highest among the groups gnomAD compares: Middle Eastern, 0.017%; no homozygotes.

Submission:

Labcorp Genetics (formerly Invitae), Labcorp
Classification: Uncertain significance for Nemaline myopathy 2. Last evaluated: 2021-08-28. Review status: criteria provided, single submitter. Criteria: Invitae Variant Classification Sherloc (09022015). Collection method: clinical testing. Allele origin: germline.
Comment: This sequence change replaces threonine with isoleucine at codon 7473 of the NEB protein (p.Thr7473Ile). The threonine residue is moderately conserved and there is a moderate physicochemical difference between threonine and isoleucine. This variant is not present in population databases (ExAC no frequency). This variant has not been reported in the literature in individuals affected with NEB-related conditions. Algorithms developed to predict the effect of missense changes on protein structure and function are either unavailable or do not agree on the potential impact of this missense change (SIFT: "Deleterious"; PolyPhen-2: "Not Available"; Align-GVGD: "Class C0"). In summary, the available evidence is currently insufficient to determine the role of this variant in disease. Therefore, it has been classified as a Variant of Uncertain Significance.

NM_001164508.2(NEB):c.22313C>T (p.Thr7438Ile)

Genes: NEB (nebulin; minus strand), RIF1 (replication timing regulatory factor 1; plus strand). Cytogenetic location: 2q23.3.
Variant type: single nucleotide variant.
Coding change: c.22313C>T on transcript NM_001164508.2 (MANE Select); coding-DNA position 22313, C replaced by T.
Protein change: p.Thr7438Ile; replaces threonine 7438 with isoleucine.
Molecular consequence: missense variant.
Genome position (GRCh38, 1-based): chr2:151,524,576, G>A on the plus strand (C>T on the coding strand, the complement: NEB is on the minus strand). VCF-style: chr2-151524576-G-A. GRCh37 (hg19) VCF-style: chr2-152381090-G-A.
Other names: c.22313C>T, p.Thr7438Ile (NM_001164507.2); c.22418C>T, p.Thr7473Ile (NM_001271208.2); c.17210C>T, p.Thr5737Ile (NM_004543.5); short protein forms T5737I, T7473I, T7438I.
Identifiers: ClinVar variation 1498354 (VCV001498354.5), dbSNP rs2153439522, ClinGen allele CA348765050.